The following is an entry in ClinVar:

ClinVar aggregate classification (germline): Uncertain significance (1 of 4 stars; one submission).

Conditions:
Inborn genetic diseases. Identifiers: MedGen C0950123, MeSH D030342.

Submission:

Ambry Genetics
Classification: Uncertain significance for Inborn genetic diseases. Last evaluated: 2025-06-16. Review status: criteria provided, single submitter. Criteria: Ambry Variant Classification Scheme 2023. Collection method: clinical testing. Allele origin: germline.
Comment: The p.R323H variant (also known as c.968G>A), located in coding exon 1 of the CEBPA gene, results from a G to A substitution at nucleotide position 968. The arginine at codon 323 is replaced by histidine, an amino acid with highly similar properties. This amino acid position is conserved. In addition, this alteration is predicted to be tolerated by in silico analysis. Based on the available evidence, the clinical significance of this variant remains unclear.

NM_004364.5(CEBPA):c.968G>A (p.Arg323His)

Gene: CEBPA (CCAAT enhancer binding protein alpha; minus strand). Cytogenetic location: 19q13.11.
Variant type: single nucleotide variant.
Coding change: c.968G>A on transcript NM_004364.5 (MANE Select); coding-DNA position 968, G replaced by A.
Protein change: p.Arg323His; replaces arginine 323 with histidine.
Molecular consequence: missense variant.
Genome position (GRCh38, 1-based): chr19:33,301,447, C>T on the plus strand (G>A on the coding strand, the complement: CEBPA is on the minus strand). VCF-style: chr19-33301447-C-T. GRCh37 (hg19) VCF-style: chr19-33792353-C-T.
Other names: c.611G>A, p.Arg204His (NM_001285829.2); c.1073G>A, p.Arg358His (NM_001287424.2); c.926G>A, p.Arg309His (NM_001287435.2); short protein forms R323H, R204H, R358H, R309H.
Identifiers: ClinVar variation 4225026 (VCV004225026.1).